The following is an entry in ClinVar:

ClinVar aggregate classification (germline): Likely benign. Review status: criteria provided, multiple submitters, no conflicts (2 of 4 stars). 3 submissions from 3 submitters: Likely benign (3). Last evaluated 2026-03-26.

Conditions:
SLC1A2-related disorder. Also called: SLC1A2-related condition.

Allele frequency attached by ClinVar (database versions not stated): gnomAD exomes below 0.00001; gnomAD 0.00004 and 0.00005; TOPMed 0.00013.
gnomAD v4.1: 11 of 1,579,168 alleles (0.0007%); highest among the groups gnomAD compares: Admixed American, 0.0083%; no homozygotes.

Submissions (3):

PreventionGenetics, part of Exact Sciences
Classification: Likely benign for SLC1A2-related condition. Last evaluated: 2026-03-26. Review status: criteria provided, single submitter. Criteria: ACMG Guidelines, 2015. Collection method: clinical testing. Allele origin: germline.
Comment: This variant is classified as likely benign based on ACMG/AMP sequence variant interpretation guidelines (Richards et al. 2015 PMID: 25741868, with internal and published modifications).

Labcorp Genetics (formerly Invitae), Labcorp
Classification: Likely benign. Last evaluated: 2025-07-23. Review status: criteria provided, single submitter. Criteria: Invitae Variant Classification Sherloc (09022015). Collection method: clinical testing. Allele origin: germline.

Women's Health and Genetics/Laboratory Corporation of America, LabCorp
Classification: Likely benign. Last evaluated: 2024-10-16. Review status: criteria provided, single submitter. Criteria: LabCorp Variant Classification Summary - May 2015. Collection method: clinical testing. Allele origin: germline.

NM_004171.4(SLC1A2):c.1638A>T (p.Ile546=)

Gene: SLC1A2 (solute carrier family 1 member 2; minus strand). Cytogenetic location: 11p13.
Variant type: single nucleotide variant.
Coding change: c.1638A>T on transcript NM_004171.4 (MANE Select); coding-DNA position 1638, A replaced by T.
Protein change: p.Ile546=; no amino-acid change (isoleucine 546 retained).
Molecular consequence: synonymous variant.
Genome position (GRCh38, 1-based): chr11:35,265,542, T>A on the plus strand (A>T on the coding strand, the complement: SLC1A2 is on the minus strand). VCF-style: chr11-35265542-T-A. GRCh37 (hg19) VCF-style: chr11-35287089-T-A.
Other names: c.1611A>T, p.Ile537= (NM_001195728.3, NM_001252652.2); c.1638A>T (NM_004171.3).
Identifiers: ClinVar variation 1582406 (VCV001582406.10), dbSNP rs897084789, ClinGen allele CA220480723.
Genomic context (GRCh38, chr11:35,265,542, plus strand): 5'-GCACTACTATATACAAGTCTCGATATCCATGAATGGGAAATGTACCTTGCATTCATCTAC[T>A]ATGACAGAGTTGTGTGCAGCATAGACACATTGATTAGAGTTGCTTTCCCTGTGGTTCTTC-3'
Protein context (NP_004162.2, residues 536-556): QCVYAAHNSV[Ile546=]VDECKVTLAA